The following is an entry in ClinVar:

ClinVar aggregate classification (germline): Uncertain significance (1 of 4 stars; one submission).

Conditions:
Mitochondrial disease. Also called: Mitochondrial disorder; Mitochondrial disorders. Identifiers: Orphanet 68380, MedGen C0751651, MeSH D028361, MONDO:0044970.

Allele frequency attached by ClinVar (database versions not stated): TOPMed below 0.00001.

Submission:

Illumina Laboratory Services, Illumina
Classification: Uncertain significance for Mitochondrial disease. Last evaluated: 2023-05-22. Review status: criteria provided, single submitter. Criteria: ICSLVariantClassificationCriteria RUGD 01 April 2020. Collection method: clinical testing. Allele origin: unknown.
Comment: The MPRS34 c.289C>T (p.Leu97Phe) missense variant has not, to our knowledge, been reported in the peer-reviewed literature. This variant is not observed in version 2.1.1 or version 3.1.2 of the Genome Aggregation Database. Based on the available evidence, c.289C>T (p.Leu97Phe) variant is classified as a variant of uncertain significance for primary mitochondrial disease.

NM_023936.2(MRPS34):c.289C>T (p.Leu97Phe)

Genes: EME2 (essential meiotic structure-specific endonuclease subunit 2; plus strand), MRPS34 (mitochondrial ribosomal protein S34; minus strand), LOC130058183 (ATAC-STARR-seq lymphoblastoid silent region 7002; plus strand). Cytogenetic location: 16p13.3.
Variant type: single nucleotide variant.
Coding change: c.289C>T on transcript NM_023936.2 (MANE Select); coding-DNA position 289, C replaced by T.
Protein change: p.Leu97Phe; replaces leucine 97 with phenylalanine.
Molecular consequence: missense variant. On other transcripts: 5 prime UTR variant (1).
Genome position (GRCh38, 1-based): chr16:1,772,831, G>A on the plus strand (C>T on the coding strand, the complement: MRPS34 is on the minus strand). VCF-style: chr16-1772831-G-A. GRCh37 (hg19) VCF-style: chr16-1822832-G-A.
Other names: c.-397G>A (NM_001257370.2); c.289C>T, p.Leu97Phe (NM_001300900.2); short protein forms L97F.
Identifiers: ClinVar variation 2580210 (VCV002580210.1), dbSNP rs2042643133, ClinGen allele CA394243842.